The following is an entry in ClinVar:

ClinVar aggregate classification (germline): Uncertain significance. Review status: criteria provided, multiple submitters, no conflicts (2 of 4 stars). 2 submissions from 2 submitters: Uncertain significance (2). Last evaluated 2024-12-26.

Conditions:
Aicardi-Goutieres syndrome 4. Identifiers: Orphanet 51, MedGen C1835912, MONDO:0012472, OMIM 610333.

Submissions (2):

Women's Health and Genetics/Laboratory Corporation of America, LabCorp
Classification: Uncertain significance. Last evaluated: 2024-12-26. Review status: criteria provided, single submitter. Criteria: LabCorp Variant Classification Summary - May 2015. Collection method: clinical testing. Allele origin: germline.
Comment: Variant summary: RNASEH2A c.322C>G (p.Arg108Gly) results in a non-conservative amino acid change located in the Ribonuclease HII/HIII domain of the encoded protein sequence. Four of five in-silico tools predict a damaging effect of the variant on protein function. Several computational tools predict a significant impact on normal splicing: One predict the variant abolishes a 5' splicing donor site. Two predict the variant weakens a 5' donor site. However, these predictions have yet to be confirmed by functional studies. The variant allele was found at a frequency of 1.2e-05 in 251478 control chromosomes (gnomAD). The available data on variant occurrences in the general population are insufficient to allow any conclusion about variant significance. c.322C>G has been reported in the literature in at least one individual affected with Aicardi Goutieres Syndrome, without strong evidence for causality (Crow_2015). This report does not provide unequivocal conclusions about association of the variant with Aicardi Goutieres Syndrome. To our knowledge, no experimental evidence demonstrating an impact on protein function has been reported. The following publication have been ascertained in the context of this evaluation (PMID: 25604658). ClinVar contains an entry for this variant (Variation ID: 1372924). Based on the evidence outlined above, the variant was classified as uncertain significance.

Labcorp Genetics (formerly Invitae), Labcorp
Classification: Uncertain significance for Aicardi-Goutieres syndrome 4. Last evaluated: 2022-07-12. Review status: criteria provided, single submitter. Criteria: Invitae Variant Classification Sherloc (09022015). Collection method: clinical testing. Allele origin: germline.
Comment: This sequence change replaces arginine, which is basic and polar, with glycine, which is neutral and non-polar, at codon 108 of the RNASEH2A protein (p.Arg108Gly). This variant is present in population databases (rs76436818, gnomAD 0.004%). This missense change has been observed in individual(s) with clinical features of Aicardi-Goutieres syndrome (PMID: 25604658). ClinVar contains an entry for this variant (Variation ID: 1372924). Algorithms developed to predict the effect of missense changes on protein structure and function are either unavailable or do not agree on the potential impact of this missense change (SIFT: "Tolerated"; PolyPhen-2: "Probably Damaging"; Align-GVGD: "Class C15"). Algorithms developed to predict the effect of sequence changes on RNA splicing suggest that this variant may disrupt the consensus splice site. In summary, the available evidence is currently insufficient to determine the role of this variant in disease. Therefore, it has been classified as a Variant of Uncertain Significance.

Literature cited by the submitters: PubMed 25604658 (cited by Women's Health and Genetics/Laboratory Corporation of America, LabCorp and Labcorp Genetics (formerly Invitae), Labcorp).

NM_006397.3(RNASEH2A):c.322C>G (p.Arg108Gly)

Gene: RNASEH2A (ribonuclease H2 subunit A; plus strand). Cytogenetic location: 19p13.13.
Variant type: single nucleotide variant.
Coding change: c.322C>G on transcript NM_006397.3 (MANE Select); coding-DNA position 322, C replaced by G.
Protein change: p.Arg108Gly; replaces arginine 108 with glycine.
Molecular consequence: missense variant.
Genome position (GRCh38, 1-based): chr19:12,807,328, C>G. VCF-style: chr19-12807328-C-G. GRCh37 (hg19) VCF-style: chr19-12918142-C-G.
Other names: short protein forms R108G.
Identifiers: ClinVar variation 1372924 (VCV001372924.7), dbSNP rs76436818, ClinGen allele CA9231823.